The following is an entry in ClinVar:

ClinVar aggregate classification (germline): Uncertain significance (1 of 4 stars; one submission).

Submission:

Labcorp Genetics (formerly Invitae), Labcorp
Classification: Uncertain significance. Last evaluated: 2022-08-19. Review status: criteria provided, single submitter. Criteria: Invitae Variant Classification Sherloc (09022015). Collection method: clinical testing. Allele origin: germline.
Comment: This sequence change replaces methionine, which is neutral and non-polar, with valine, which is neutral and non-polar, at codon 1031 of the MPDZ protein (p.Met1031Val). This variant is not present in population databases (gnomAD no frequency). This variant has not been reported in the literature in individuals affected with MPDZ-related conditions. Algorithms developed to predict the effect of missense changes on protein structure and function output the following: SIFT: "Tolerated"; PolyPhen-2: "Benign"; Align-GVGD: "Class C0". The valine amino acid residue is found in multiple mammalian species, which suggests that this missense change does not adversely affect protein function. In summary, the available evidence is currently insufficient to determine the role of this variant in disease. Therefore, it has been classified as a Variant of Uncertain Significance.

NM_001378778.1(MPDZ):c.3091A>G (p.Met1031Val)

Gene: MPDZ (multiple PDZ domain crumbs cell polarity complex component; minus strand). Cytogenetic location: 9p23.
Variant type: single nucleotide variant.
Coding change: c.3091A>G on transcript NM_001378778.1 (MANE Select); coding-DNA position 3091, A replaced by G.
Protein change: p.Met1031Val; replaces methionine 1031 with valine.
Molecular consequence: missense variant.
Genome position (GRCh38, 1-based): chr9:13,168,529, T>C on the plus strand (A>G on the coding strand, the complement: MPDZ is on the minus strand). VCF-style: chr9-13168529-T-C. GRCh37 (hg19) VCF-style: chr9-13168528-T-C.
Other names: c.3091A>G, p.Met1031Val (NM_001375424.1, NM_001375425.1, NM_001375426.1 and 14 more transcripts); short protein forms M1031V.
Identifiers: ClinVar variation 1716845 (VCV001716845.5), dbSNP rs2492317215, ClinGen allele CA372933749.
Genomic context (GRCh38, chr9:13,168,529, plus strand): 5'-CAATGGCAATCCGGCCATCTCGACTAATGGCACCTCCATGAATAATGCTTCGAACGATCA[T>C]CCCCAAGCCATCTTTATTAGCACTAACTGTCATTCCTACAGGAAAAGAGAAATGCAAATA-3'
Protein context (NP_001365707.1, residues 1021-1041): TVSANKDGLG[Met1031Val]IVRSIIHGGA